The following is an entry in ClinVar:

NM_014391.3(ANKRD1):c.532dup (p.Gln178fs)

Gene: ANKRD1 (ankyrin repeat domain 1; minus strand). Cytogenetic location: 10q23.31.
Variant type: Duplication.
Coding change: c.532dup on transcript NM_014391.3 (MANE Select); coding-DNA position 532, one base duplicated (C; older notation c.532dupC).
Protein change: p.Gln178fs; shifts the reading frame from glutamine 178.
Molecular consequence: frameshift variant.
Genome position (GRCh38, 1-based): chr10:90,917,752, G duplicated on the plus strand (C on the coding strand, the reverse complement: ANKRD1 is on the minus strand); the first of 3 consecutive G bases (chr10:90,917,752-90,917,754); duplicating any one gives the same sequence. VCF-style (leftmost placement, unchanged base first): chr10-90917751-T-TG. GRCh37 (hg19) VCF-style: chr10-92677508-T-TG.
Other names: c.532dupC (NM_014391.2); short protein forms Q178fs.
Identifiers: ClinVar variation 2631081 (VCV002631081.1), dbSNP rs2492958602, ClinGen allele CA2695201009.

ClinVar aggregate classification (germline): Uncertain significance (1 of 4 stars; one submission).

Conditions:
ANKRD1-related disorder. Also called: ANKRD1-related condition.

Submission:

PreventionGenetics, part of Exact Sciences
Classification: Uncertain significance for ANKRD1-related condition. Last evaluated: 2023-09-12. Review status: criteria provided, single submitter. Criteria: ACMG Guidelines, 2015. Collection method: clinical testing. Allele origin: germline.
Comment: The ANKRD1 c.532dupC variant is predicted to result in a frameshift and premature protein termination (p.Gln178Profs*6). To our knowledge, this variant has not been reported in the literature or in a large population database, indicating this variant is rare. At this time, the clinical significance of this variant is uncertain due to the absence of conclusive functional and genetic evidence.